The following is an entry in ClinVar:

ClinVar aggregate classification (germline): Conflicting classifications of pathogenicity. Review status: criteria provided, conflicting classifications (1 of 4 stars). 4 submissions from 4 submitters: Uncertain significance (1); Likely benign (3). Last evaluated 2026-09-01.

Allele frequency attached by ClinVar (database versions not stated): TOPMed 0.00004; ExAC 0.00006; gnomAD exomes 0.00006; gnomAD 0.00007; ESP Exome Variant Server 0.00031.
gnomAD v4.1: 97 of 1,613,630 alleles (0.006%); highest among the groups gnomAD compares: Non-Finnish European, 0.0077%; no homozygotes.

Submissions (4):

CeGaT Center for Human Genetics Tuebingen
Classification: Likely benign. Last evaluated: 2026-09-01. Review status: criteria provided, single submitter. Criteria: CeGaT Center For Human Genetics Tuebingen Variant Classification Criteria Version 2. Collection method: clinical testing. Allele origin: germline. Affected: yes. Observed: 2 variant alleles.
Comment: ACAD9: BP4, BP7

Mayo Clinic Laboratories, Mayo Clinic
Classification: Likely benign. Last evaluated: 2025-07-30. Review status: criteria provided, single submitter. Criteria: ACMG Guidelines, 2015. Collection method: clinical testing. Allele origin: germline. Observed: 1 variant allele.
Comment: BP4, BP7, PM2_supporting

Blueprint Genetics
Classification: Likely benign. Last evaluated: 2024-07-04. Review status: criteria provided, single submitter. Criteria: ACMG Guidelines, 2015. Collection method: clinical testing. Allele origin: germline.

Labcorp Genetics (formerly Invitae), Labcorp
Classification: Uncertain significance. Last evaluated: 2022-09-06. Review status: criteria provided, single submitter. Criteria: Invitae Variant Classification Sherloc (09022015). Collection method: clinical testing. Allele origin: germline.
Comment: This sequence change affects codon 269 of the ACAD9 mRNA. It is a 'silent' change, meaning that it does not change the encoded amino acid sequence of the ACAD9 protein. It affects a nucleotide within the consensus splice site. This variant is present in population databases (rs201014738, gnomAD 0.01%). This variant has not been reported in the literature in individuals affected with ACAD9-related conditions. Algorithms developed to predict the effect of sequence changes on RNA splicing suggest that this variant is not likely to affect RNA splicing. In summary, the available evidence is currently insufficient to determine the role of this variant in disease. Therefore, it has been classified as a Variant of Uncertain Significance.

NM_014049.5(ACAD9):c.807C>T (p.Asn269=)

Gene: ACAD9 (acyl-CoA dehydrogenase family member 9; plus strand). Cytogenetic location: 3q21.3.
Variant type: single nucleotide variant.
Coding change: c.807C>T on transcript NM_014049.5 (MANE Select); coding-DNA position 807, C replaced by T.
Protein change: p.Asn269=; no amino-acid change (asparagine 269 retained).
Molecular consequence: synonymous variant. On other transcripts: non-coding transcript variant (1).
Genome position (GRCh38, 1-based): chr3:128,899,460, C>T. VCF-style: chr3-128899460-C-T. GRCh37 (hg19) VCF-style: chr3-128618303-C-T.
Other names: p.Asn269=; c.438C>T, p.Asn146= (NM_001410805.1).
Identifiers: ClinVar variation 2057408 (VCV002057408.7), dbSNP rs201014738, ClinGen allele CA2601266.
Genomic context (GRCh38, chr3:128,899,460, plus strand): 5'-AGACTTTGGTGGAGTCACTAATGGGAAACCCGAAGATAAATTAGGCATTCGGGGCTCCAA[C>T]AGTAAGTAGCTCCTGTGCGCGCGTGCGCGTGTGTGTGTGTAAGGGGGAGACTGGCCTTTG-3'
Protein context (NP_054768.2, residues 259-279): PEDKLGIRGS[Asn269=]TCEVHFENTK